The following is an entry in ClinVar:

NM_144670.6(A2ML1):c.2712+3G>C

Gene: A2ML1 (alpha-2-macroglobulin like 1; plus strand). Cytogenetic location: 12p13.31.
Variant type: single nucleotide variant.
Coding change: c.2712+3G>C on transcript NM_144670.6 (MANE Select); 3 bases into the intron after coding-DNA position 2712, G replaced by C.
Molecular consequence: intron variant.
Genome position (GRCh38, 1-based): chr12:8,854,252, G>C. VCF-style: chr12-8854252-G-C. GRCh37 (hg19) VCF-style: chr12-9006848-G-C.
Other names: c.1239+3G>C (NM_001282424.3).
Identifiers: ClinVar variation 1022221 (VCV001022221.6), dbSNP rs1943986611, ClinGen allele CA944551360.
Genomic context (GRCh38, chr12:8,854,252, plus strand): 5'-GGGGTTTGTTCCCCAAAAGGGCCGAAGTGACACGCTCATCAAGCCAGTTCTCGTCAAAGT[G>C]AGTTTTCTTCAGAGGTAGAGACAGCAACCAACCGAGGGATGCTCAGCATCTCGTCTTGCT-3'

ClinVar aggregate classification (germline): Uncertain significance (1 of 4 stars; one submission).

Allele frequency attached by ClinVar (database versions not stated): gnomAD 0.00001.
gnomAD v4.1: 5 of 1,594,076 alleles (0.00031%); highest among the groups gnomAD compares: African/African-American, 0.0067%; no homozygotes.

Submission:

Labcorp Genetics (formerly Invitae), Labcorp
Classification: Uncertain significance. Last evaluated: 2023-10-12. Review status: criteria provided, single submitter. Criteria: Invitae Variant Classification Sherloc (09022015). Collection method: clinical testing. Allele origin: germline.
Comment: This sequence change falls in intron 21 of the A2ML1 gene. It does not directly change the encoded amino acid sequence of the A2ML1 protein. It affects a nucleotide within the consensus splice site. This variant is not present in population databases (gnomAD no frequency). This variant has not been reported in the literature in individuals affected with A2ML1-related conditions. ClinVar contains an entry for this variant (Variation ID: 1022221). Variants that disrupt the consensus splice site are a relatively common cause of aberrant splicing (PMID: 17576681, 9536098). Algorithms developed to predict the effect of sequence changes on RNA splicing suggest that this variant may disrupt the consensus splice site. In summary, the available evidence is currently insufficient to determine the role of this variant in disease. Therefore, it has been classified as a Variant of Uncertain Significance.

Literature cited by the submitters: PubMed 17576681; PubMed 9536098.